The following is an entry in ClinVar:

ClinVar aggregate classification (germline): Benign/Likely benign. Review status: criteria provided, multiple submitters, no conflicts (2 of 4 stars). 7 submissions from 7 submitters: Benign (3); Likely benign (3). 1 of the submissions does not count toward it. Last evaluated 2025-11-12.

Conditions:
TSC2-related disorder. Also called: TSC2-related condition; TSC2-Related Disorders.
Hereditary cancer-predisposing syndrome. Also called: Hereditary Cancer Syndrome; Neoplastic Syndromes, Hereditary; Tumor predisposition; Hereditary neoplastic syndrome. Identifiers: Orphanet 140162, MedGen C0027672, MeSH D009386, MONDO:0015356.
Tuberous sclerosis syndrome (TSC). Also called: Tuberous sclerosis; Tuberous Sclerosis Complex. Identifiers: Orphanet 805, MedGen C0041341, MONDO:0001734.
Tuberous sclerosis 2 (TSC2). Identifiers: Orphanet 805, MedGen C1860707, MONDO:0013199, OMIM 613254.

Allele frequency attached by ClinVar (database versions not stated): gnomAD exomes below 0.00001 and 0.00001; ExAC 0.00001; TOPMed 0.00002; gnomAD 0.00003 and 0.00004; 1000 Genomes Project 30x 0.00016; 1000 Genomes Project 0.00020.
gnomAD v4.1: 11 of 1,600,510 alleles (0.00069%); highest among the groups gnomAD compares: African/African-American, 0.0093%; no homozygotes.

Submissions (7):

Labcorp Genetics (formerly Invitae), Labcorp
Classification: Benign for Tuberous sclerosis 2. Last evaluated: 2025-11-12. Review status: criteria provided, single submitter. Criteria: Invitae Variant Classification Sherloc (09022015). Collection method: clinical testing. Allele origin: germline.

Myriad Genetics, Inc.
Classification: Benign for Tuberous sclerosis 2. Last evaluated: 2025-06-03. Review status: criteria provided, single submitter. Criteria: Myriad Autosomal Dominant, Autosomal Recessive and X-Linked Classification Criteria (2023). Collection method: clinical testing. Allele origin: unknown.
Comment: This variant is considered benign. This variant is a silent/synonymous amino acid change and it is not expected to impact splicing.

All of Us Research Program, National Institutes of Health
Classification: Likely benign for Tuberous sclerosis syndrome. Last evaluated: 2023-10-02. Review status: criteria provided, single submitter. Criteria: ACMG Guidelines, 2015. Collection method: clinical testing. Allele origin: germline. Inheritance: Autosomal dominant inheritance. Observed: 1 variant allele, 1 heterozygote.
Comment: This study involves interpretation of variants in research participants for the purpose of population health screening. Participant phenotype was not available at the time of variant classification. Additional details can be found in publication PMID: 35346344, PMCID: PMC8962531

Color Diagnostics, LLC DBA Color Health
Classification: Likely benign for Tuberous sclerosis syndrome. Last evaluated: 2023-09-20. Review status: criteria provided, single submitter. Criteria: ACMG Guidelines, 2015. Collection method: clinical testing. Allele origin: germline.

Genome-Nilou Lab
Classification: Benign for Tuberous sclerosis 2. Last evaluated: 2021-11-07. Review status: criteria provided, single submitter. Criteria: ACMG Guidelines, 2015. Collection method: clinical testing. Allele origin: germline. Affected: no.

Ambry Genetics
Classification: Likely benign for Hereditary cancer-predisposing syndrome. Last evaluated: 2015-07-22. Review status: criteria provided, single submitter. Criteria: Ambry Variant Classification Scheme 2023. Collection method: clinical testing. Allele origin: germline.

PreventionGenetics, part of Exact Sciences
Classification: Likely benign for TSC2-related condition. Last evaluated: 2023-11-13. Review status: no assertion criteria provided. Collection method: clinical testing. Allele origin: germline. Not counted in ClinVar's aggregate classification.
Comment: This variant is classified as likely benign based on ACMG/AMP sequence variant interpretation guidelines (Richards et al. 2015 PMID: 25741868, with internal and published modifications).

NM_000548.5(TSC2):c.4410C>T (p.Arg1470=)

Gene: TSC2 (TSC complex subunit 2; plus strand). Cytogenetic location: 16p13.3.
Variant type: single nucleotide variant.
Coding change: c.4410C>T on transcript NM_000548.5 (MANE Select); coding-DNA position 4410, C replaced by T.
Protein change: p.Arg1470=; no amino-acid change (arginine 1470 retained).
Molecular consequence: synonymous variant.
Genome position (GRCh38, 1-based): chr16:2,084,632, C>T. VCF-style: chr16-2084632-C-T. GRCh37 (hg19) VCF-style: chr16-2134633-C-T.
Other names: c.4209C>T, p.Arg1403= (NM_001077183.3); c.4341C>T, p.Arg1447= (NM_001114382.3); c.4101C>T, p.Arg1367= (NM_001318827.2); c.4065C>T, p.Arg1355= (NM_001318829.2); c.3678C>T, p.Arg1226= (NM_001318831.2); c.4242C>T, p.Arg1414= (NM_001318832.2); c.4212C>T, p.Arg1404= (NM_001363528.2); c.4278C>T, p.Arg1426= (NM_001370404.1); and 2 more.
Identifiers: ClinVar variation 233060 (VCV000233060.22), dbSNP rs539032553, ClinGen allele CA051074.